The following is an entry in ClinVar:

NM_006393.3(NEBL):c.1870-1G>A

Gene: NEBL (nebulette; minus strand). Cytogenetic location: 10p12.31.
Variant type: single nucleotide variant.
Coding change: c.1870-1G>A on transcript NM_006393.3 (MANE Select); the canonical splice acceptor site of the intron before coding-DNA position 1870, G replaced by A.
Molecular consequence: splice acceptor variant. On other transcripts: intron variant (9).
Genome position (GRCh38, 1-based): chr10:20,823,301, C>T on the plus strand (G>A on the coding strand, the complement: NEBL is on the minus strand). VCF-style: chr10-20823301-C-T. GRCh37 (hg19) VCF-style: chr10-21112230-C-T.
Other names: c.250-10361G>A (NM_001377326.1, NM_001377327.1, NM_001377328.1); c.358-10361G>A (NM_213569.2, NM_001173484.2, NM_001377322.1); c.301-10361G>A (NM_001377324.1); c.292-10361G>A (NM_001377325.1); c.310-10361G>A (NM_001377323.1).
Identifiers: ClinVar variation 3701704 (VCV003701704.3).

ClinVar aggregate classification (germline): Uncertain significance. Review status: criteria provided, multiple submitters, no conflicts (2 of 4 stars). 2 submissions from 2 submitters: Uncertain significance (2). Last evaluated 2026-02-16.

Conditions:
Primary dilated cardiomyopathy (DCM). Also called: Dilated Cardiomyopathy. Identifiers: Orphanet 217604, MedGen C0007193, MeSH D002311, MONDO:0005021, HP:0001644. Inheritance: Various modes of inheritance.

Submissions (2):

Women's Health and Genetics/Laboratory Corporation of America, LabCorp
Classification: Uncertain significance. Last evaluated: 2026-02-16. Review status: criteria provided, single submitter. Criteria: LabCorp Variant Classification Summary - May 2015. Collection method: clinical testing. Allele origin: germline.
Comment: Variant summary: NEBL c.1870-1G>A is located in a canonical splice-site and is predicted to affect mRNA splicing resulting in a significantly altered protein due to either exon skipping, shortening, or inclusion of intronic material. Variants that disrupt the consensus splice site are a relatively common cause of aberrant splicing, however current evidence is not sufficient to establish loss of function as a mechanism for disease. Several computational tools predict a significant impact on normal splicing: Two predict the variant abolishes a 3' acceptor site and one predicts the variant has no significant impact on splicing. However, these predictions have yet to be confirmed by functional studies. The variant was absent in 248728 control chromosomes. The available data on variant occurrences in the general population are insufficient to allow any conclusion about variant significance. To our knowledge, no occurrence of c.1870-1G>A in individuals affected with NEBL-related conditions and no experimental evidence demonstrating its impact on protein function have been reported. ClinVar contains an entry for this variant (Variation ID: 3701704). Based on the evidence outlined above, the variant was classified as uncertain significance.

Labcorp Genetics (formerly Invitae), Labcorp
Classification: Uncertain significance for Primary dilated cardiomyopathy. Last evaluated: 2024-02-27. Review status: criteria provided, single submitter. Criteria: Invitae Variant Classification Sherloc (09022015). Collection method: clinical testing. Allele origin: germline.
Comment: This sequence change affects an acceptor splice site in intron 18 of the NEBL gene. It is expected to disrupt RNA splicing. Variants that disrupt the donor or acceptor splice site typically lead to a loss of protein function (PMID: 16199547), however the current clinical and genetic evidence is not sufficient to establish whether loss-of-function variants in NEBL cause disease. This variant is not present in population databases (gnomAD no frequency). This variant has not been reported in the literature in individuals affected with NEBL-related conditions. Algorithms developed to predict the effect of sequence changes on RNA splicing suggest that this variant may disrupt the consensus splice site. In summary, the available evidence is currently insufficient to determine the role of this variant in disease. Therefore, it has been classified as a Variant of Uncertain Significance.

Literature cited by the submitters: PubMed 16199547 (cited by Labcorp Genetics (formerly Invitae), Labcorp).